The following is an entry in ClinVar:

ClinVar aggregate classification (germline): Conflicting classifications of pathogenicity. Review status: criteria provided, conflicting classifications (1 of 4 stars). 7 submissions from 7 submitters: Uncertain significance (1); Likely benign (5). 1 of the submissions does not count toward it. Last evaluated 2026-03-02.

Conditions:
TTN-related disorder. Also called: TTN-related disorders; TTN-related condition; TTN-related disease.

Allele frequency attached by ClinVar (database versions not stated): gnomAD exomes 0.00008 and 0.00026; ExAC 0.00037; gnomAD 0.00102; TOPMed 0.00105; 1000 Genomes Project 30x 0.00141; ESP Exome Variant Server 0.00146; 1000 Genomes Project 0.00160.
gnomAD v4.1: 272 of 1,612,716 alleles (0.017%); highest among the groups gnomAD compares: African/African-American, 0.33%; no homozygotes.

Submissions (7):

Women's Health and Genetics/Laboratory Corporation of America, LabCorp
Classification: Likely benign. Last evaluated: 2026-03-02. Review status: criteria provided, single submitter. Criteria: LabCorp Variant Classification Summary - May 2015. Collection method: clinical testing. Allele origin: germline.
Comment: Variant summary: TTN c.10360+1978T>A is located at a position not widely known to affect splicing. This variant corresponds to c.11311+1978T>A in NM_001267550 and is c.11254T>A (p.Ser3752Thr) in NM_133379 where it is a missense variant resulting in a change in the encoded protein sequence. Consensus agreement among computation tools predict no significant impact on normal splicing. However, these predictions have yet to be confirmed by functional studies. The variant allele was found at a frequency of 0.00026 in 249070 control chromosomes, predominantly at a frequency of 0.0036 within the African or African-American subpopulation in the gnomAD database. The observed variant frequency within African or African-American control individuals in the gnomAD database exceeds the estimated maximal expected allele frequency for disease-causing variants in TTN. To our knowledge, no occurrence of this variant in individuals affected with TTN-related conditions and no experimental evidence demonstrating its impact on protein function have been reported. ClinVar contains an entry for this variant (Variation ID: 166277). Based on the evidence outlined above, the variant was classified as likely benign.

Molecular Diagnostic Laboratory for Inherited Cardiovascular Disease, Montreal Heart Institute
Classification: Likely benign. Last evaluated: 2025-04-09. Review status: criteria provided, single submitter. Criteria: ACMG Guidelines, 2015. Collection method: clinical testing. Allele origin: germline. Affected: no.

ARUP Laboratories, Molecular Genetics and Genomics, ARUP Laboratories
Classification: Likely benign. Last evaluated: 2025-03-21. Review status: criteria provided, single submitter. Criteria: ARUP Molecular Germline Variant Investigation Process 2024. Collection method: clinical testing. Allele origin: germline.

CeGaT Center for Human Genetics Tuebingen
Classification: Likely benign. Last evaluated: 2024-04-01. Review status: criteria provided, single submitter. Criteria: CeGaT Center For Human Genetics Tuebingen Variant Classification Criteria Version 2. Collection method: clinical testing. Allele origin: germline. Affected: yes. Observed: 1 variant allele.
Comment: TTN: BP4

GeneDx
Classification: Uncertain significance. Last evaluated: 2016-08-16. Review status: criteria provided, single submitter. Criteria: GeneDx Variant Classification (06012015). Collection method: clinical testing. Allele origin: germline. Affected: yes.
Comment: Missense variants in the TTN gene are considered 'unclassified' if they are not previously reported in the literature and do not have >1% frequency in the population to be considered a polymorphism. Research indicates that truncating mutations in the TTN gene are expected to account for approximately 25% of familial and 18% of sporadic idiopathic DCM; however, truncating variants in the TTN gene have been reported in approximately 3% of reported control alleles. There has been little investigation into non-truncating variants. (Herman D et al. Truncations of titin causing dilated cardiomyopathy. N Eng J Med 366:619-628, 2012) The variant is found in CARDIOMYOPATHY panel(s).

Laboratory for Molecular Medicine, Mass General Brigham Personalized Medicine
Classification: Likely benign. Last evaluated: 2012-03-19. Review status: criteria provided, single submitter. Criteria: LMM Criteria. Collection method: clinical testing. Allele origin: germline. Observed: 2 variant alleles.
Comment: Ser3752Thr in exon 45A of TTN: This variant is not expected to have clinical sig nificance because it has been identified in 0.4% (15/3726) of African American c hromosomes from a broad population by the NHLBI Exome Sequencing Project (dbSNP rs144209883). Ser3752Thr in exon 45A of TTN ( rs144209883; allele frequency = 0.4%, 15/3726) **

PreventionGenetics, part of Exact Sciences
Classification: Likely benign for TTN-related condition. Last evaluated: 2021-01-11. Review status: no assertion criteria provided. Collection method: clinical testing. Allele origin: germline. Not counted in ClinVar's aggregate classification.
Comment: This variant is classified as likely benign based on ACMG/AMP sequence variant interpretation guidelines (Richards et al. 2015 PMID: 25741868, with internal and published modifications).

NM_133379.5(TTN):c.11254T>A (p.Ser3752Thr)

Gene: TTN (titin; minus strand). Cytogenetic location: 2q31.2.
Variant type: single nucleotide variant.
Coding change: c.11254T>A on transcript NM_133379.5; coding-DNA position 11254, T replaced by A.
Protein change: p.Ser3752Thr; replaces serine 3752 with threonine.
Molecular consequence: missense variant. On other transcripts: intron variant (6).
Genome position (GRCh38, 1-based): chr2:178,751,146, A>T on the plus strand (T>A on the coding strand, the complement: TTN is on the minus strand). VCF-style: chr2-178751146-A-T. GRCh37 (hg19) VCF-style: chr2-179615873-A-T.
Other names: p.S3752T:TCT>ACT; c.10222+1978T>A (NM_003319.4); c.10798+1978T>A (NM_133437.4); c.10597+1978T>A (NM_133432.3); c.10360+1978T>A (NM_133378.4, NM_001256850.1); c.11311+1978T>A (NM_001267550.2); c.11254T>A (NM_133379.4); short protein forms S3752T.
Identifiers: ClinVar variation 166277 (VCV000166277.39), dbSNP rs144209883, ClinGen allele CA179148.